The following is an entry in ClinVar:

ClinVar aggregate classification (germline): Uncertain significance. Review status: criteria provided, multiple submitters, no conflicts (2 of 4 stars). 2 submissions from 2 submitters: Uncertain significance (2). Last evaluated 2025-09-28.

Conditions:
Spinocerebellar ataxia 49 (SCA49). Identifiers: Orphanet 631106, MedGen C5676950, MONDO:0030805, OMIM 619806.
Ataxia-pancytopenia syndrome (ATXPC). Also called: SAMD9L Ataxia-Pancytopenia Syndrome; SAMD9L-Related Syndrome. Identifiers: Orphanet 2585, MedGen C1327919, MONDO:0008038, OMIM 159550.
Monosomy 7 myelodysplasia and leukemia syndrome 1. Also called: CHROMOSOME 7q DELETION; Familial Mosaic Monosomy 7 Syndrome; Monosomy 7 of bone marrow. Identifiers: MedGen C1854978, MONDO:0009646, OMIM 252270.
Inborn genetic diseases. Identifiers: MedGen C0950123, MeSH D030342.

gnomAD v4.1: 2 of 1,614,122 alleles (0.00012%); highest among the groups gnomAD compares: South Asian, 0.0022%; no homozygotes.

Submissions (2):

Ambry Genetics
Classification: Uncertain significance for Inborn genetic diseases. Last evaluated: 2025-09-28. Review status: criteria provided, single submitter. Criteria: Ambry Variant Classification Scheme 2023. Collection method: clinical testing. Allele origin: germline.
Comment: The p.K253E variant (also known as c.757A>G), located in coding exon 1 of the SAMD9L gene, results from an A to G substitution at nucleotide position 757. The lysine at codon 253 is replaced by glutamic acid, an amino acid with similar properties. This amino acid position is conserved. In addition, this alteration is predicted to be tolerated by in silico analysis. Based on the available evidence, the clinical significance of this variant remains unclear.

Fulgent Genetics
Classification: Uncertain significance for Ataxia-pancytopenia syndrome; Monosomy 7 myelodysplasia and leukemia syndrome 1; Spinocerebellar ataxia 49. Last evaluated: 2024-02-15. Review status: criteria provided, single submitter. Criteria: ACMG Guidelines, 2015. Collection method: clinical testing. Allele origin: germline.

NM_152703.5(SAMD9L):c.757A>G (p.Lys253Glu)

Gene: SAMD9L (sterile alpha motif domain containing 9 like; minus strand). Cytogenetic location: 7q21.2.
Variant type: single nucleotide variant.
Coding change: c.757A>G on transcript NM_152703.5 (MANE Select); coding-DNA position 757, A replaced by G.
Protein change: p.Lys253Glu; replaces lysine 253 with glutamic acid.
Molecular consequence: missense variant.
Genome position (GRCh38, 1-based): chr7:93,135,215, T>C on the plus strand (A>G on the coding strand, the complement: SAMD9L is on the minus strand). VCF-style: chr7-93135215-T-C. GRCh37 (hg19) VCF-style: chr7-92764528-T-C.
Other names: c.757A>G (NM_152703.2); c.757A>G, p.Lys253Glu (NM_001303496.3, NM_001303497.3, NM_001303498.3 and 5 more transcripts); short protein forms K253E.
Identifiers: ClinVar variation 3594952 (VCV003594952.3).